The following is an entry in ClinVar:

NM_004444.5(EPHB4):c.2731T>C (p.Ser911Pro)

Gene: EPHB4 (EPH receptor B4; minus strand). Cytogenetic location: 7q22.1.
Variant type: single nucleotide variant.
Coding change: c.2731T>C on transcript NM_004444.5 (MANE Select); coding-DNA position 2731, T replaced by C.
Protein change: p.Ser911Pro; replaces serine 911 with proline.
Molecular consequence: missense variant.
Genome position (GRCh38, 1-based): chr7:100,805,269, A>G on the plus strand (T>C on the coding strand, the complement: EPHB4 is on the minus strand). VCF-style: chr7-100805269-A-G. GRCh37 (hg19) VCF-style: chr7-100402891-A-G.
Other names: short protein forms S911P.
Identifiers: ClinVar variation 5036050 (VCV005036050.1).

ClinVar aggregate classification (germline): Uncertain significance (1 of 4 stars; one submission).

Conditions:
Cardiovascular phenotype. Identifiers: MedGen CN230736.

Submission:

Ambry Genetics
Classification: Uncertain significance for Cardiovascular phenotype. Last evaluated: 2026-08-03. Review status: criteria provided, single submitter. Criteria: Ambry Variant Classification Scheme 2023. Collection method: clinical testing. Allele origin: germline.
Comment: The p.S911P variant (also known as c.2731T>C), located in coding exon 16 of the EPHB4 gene, results from a T to C substitution at nucleotide position 2731. The serine at codon 911 is replaced by proline, an amino acid with similar properties. This amino acid position is conserved. In addition, this alteration is predicted to be tolerated by in silico analysis. Based on the available evidence, the clinical significance of this variant remains unclear.